The following is an entry in ClinVar:

ClinVar aggregate classification (germline): Uncertain significance (1 of 4 stars; one submission).

Submission:

GeneDx
Classification: Uncertain significance. Last evaluated: 2025-09-26. Review status: criteria provided, single submitter. Criteria: GeneDx Variant Classification Process June 2021. Collection method: clinical testing. Allele origin: germline.
Comment: Not observed at significant frequency in large population cohorts (gnomAD); In silico analysis suggests that this missense variant does not alter protein structure/function; Has not been previously published as pathogenic or benign to our knowledge

NM_001292034.3(TAB2):c.1411A>G (p.Asn471Asp)

Genes: TAB2 (TGF-beta activated kinase 1 (MAP3K7) binding protein 2; plus strand), LOC126859827 (BRD4-independent group 4 enhancer GRCh37_chr6:149699707-149700906; plus strand). Cytogenetic location: 6q25.1.
Variant type: single nucleotide variant.
Coding change: c.1411A>G on transcript NM_001292034.3 (MANE Select); coding-DNA position 1411, A replaced by G.
Protein change: p.Asn471Asp; replaces asparagine 471 with aspartic acid.
Molecular consequence: missense variant.
Genome position (GRCh38, 1-based): chr6:149,379,326, A>G. VCF-style: chr6-149379326-A-G. GRCh37 (hg19) VCF-style: chr6-149700462-A-G.
Other names: c.1315A>G, p.Asn439Asp (NM_001292035.3); c.1411A>G, p.Asn471Asp (NM_001369506.1, NM_015093.6); short protein forms N439D, N471D.
Identifiers: ClinVar variation 3764409 (VCV003764409.2).